The following is an entry in ClinVar:

ClinVar aggregate classification (germline): Benign. Review status: criteria provided, multiple submitters, no conflicts (2 of 4 stars). 2 submissions from 2 submitters: Benign (2). Last evaluated 2018-06-19.

Allele frequency attached by ClinVar (database versions not stated): 1000 Genomes Project 30x 0.98345; 1000 Genomes Project 0.98363; TOPMed 0.98994; gnomAD 0.99043 and 0.99065; gnomAD exomes 0.99621.
gnomAD v4.1: 395,934 of 398,324 alleles (99%); highest among the groups gnomAD compares: Non-Finnish European, 100%; 196,802 homozygotes.

Submissions (2):

GeneDx
Classification: Benign. Last evaluated: 2018-06-19. Review status: criteria provided, single submitter. Criteria: GeneDx Variant Classification (06012015). Collection method: clinical testing. Allele origin: germline. Affected: yes.
Comment: This variant is considered likely benign or benign based on one or more of the following criteria: it is a conservative change, it occurs at a poorly conserved position in the protein, it is predicted to be benign by multiple in silico algorithms, and/or has population frequency not consistent with disease.

Breakthrough Genomics
Classification: Benign. Review status: criteria provided, single submitter. Criteria: ACMG Guidelines, 2015. Collection method: not provided. Allele origin: germline. Inheritance: Autosomal recessive inheritance. Affected: yes.

NM_016464.5(TMEM138):c.301-266A>G

Gene: TMEM138 (transmembrane protein 138; plus strand). Cytogenetic location: 11q12.2.
Variant type: single nucleotide variant.
Coding change: c.301-266A>G on transcript NM_016464.5 (MANE Select); 266 bases into the intron before coding-DNA position 301, A replaced by G.
Molecular consequence: intron variant.
Genome position (GRCh38, 1-based): chr11:61,367,657, A>G. VCF-style: chr11-61367657-A-G. GRCh37 (hg19) VCF-style: chr11-61135129-A-G.
Other names: c.127-266A>G (NM_001330281.2).
Identifiers: ClinVar variation 667551 (VCV000667551.2), dbSNP rs7937419, ClinGen allele CA222873835.